The following is an entry in ClinVar:

NM_030662.4(MAP2K2):c.485C>T (p.Ala162Val)

Gene: MAP2K2 (mitogen-activated protein kinase kinase 2; minus strand). Cytogenetic location: 19p13.3.
Variant type: single nucleotide variant.
Coding change: c.485C>T on transcript NM_030662.4 (MANE Select); coding-DNA position 485, C replaced by T.
Protein change: p.Ala162Val; replaces alanine 162 with valine.
Molecular consequence: missense variant.
Genome position (GRCh38, 1-based): chr19:4,102,419, G>A on the plus strand (C>T on the coding strand, the complement: MAP2K2 is on the minus strand). VCF-style: chr19-4102419-G-A. GRCh37 (hg19) VCF-style: chr19-4102417-G-A.
Other names: short protein forms A162V.
Identifiers: ClinVar variation 1216269 (VCV001216269.11), dbSNP rs376299424, ClinGen allele CA9090953.

ClinVar aggregate classification (germline): Uncertain significance. Review status: criteria provided, multiple submitters, no conflicts (2 of 4 stars). 2 submissions from 2 submitters: Uncertain significance (2). Last evaluated 2025-10-06.

Conditions:
RASopathy. Also called: rasopathies; Noonan spectrum disorder. Identifiers: Orphanet 536391, MedGen C5555857, MONDO:0021060.

Allele frequency attached by ClinVar (database versions not stated): gnomAD exomes 0.00001; ExAC 0.00002; gnomAD 0.00002; TOPMed 0.00002; ESP Exome Variant Server 0.00008.
gnomAD v4.1: 19 of 1,606,152 alleles (0.0012%); highest among the groups gnomAD compares: Admixed American, 0.0017%; no homozygotes.

Submissions (2):

Labcorp Genetics (formerly Invitae), Labcorp
Classification: Uncertain significance for RASopathy. Last evaluated: 2025-10-06. Review status: criteria provided, single submitter. Criteria: Invitae Variant Classification Sherloc (09022015). Collection method: clinical testing. Allele origin: germline.
Comment: This sequence change replaces alanine, which is neutral and non-polar, with valine, which is neutral and non-polar, at codon 162 of the MAP2K2 protein (p.Ala162Val). This variant is present in population databases (rs376299424, gnomAD 0.003%). This variant has not been reported in the literature in individuals affected with MAP2K2-related conditions. ClinVar contains an entry for this variant (Variation ID: 1216269). Invitae Evidence Modeling incorporating data from in vitro experimental studies (internal data) indicates that this missense variant is not expected to disrupt MAP2K2 function with a negative predictive value of 95%. In summary, the available evidence is currently insufficient to determine the role of this variant in disease. Therefore, it has been classified as a Variant of Uncertain Significance.

GeneDx
Classification: Uncertain significance. Last evaluated: 2021-04-09. Review status: criteria provided, single submitter. Criteria: GeneDx Variant Classification Process June 2021. Collection method: clinical testing. Allele origin: germline. Affected: yes.
Comment: Has not been previously published as pathogenic or benign to our knowledge; Missense variants in this gene are often considered pathogenic (Stenson et al., 2014); In silico analysis supports that this missense variant has a deleterious effect on protein structure/function